The following is an entry in ClinVar:

ClinVar aggregate classification (germline): Likely benign (1 of 4 stars; one submission).

Submission:

Women's Health and Genetics/Laboratory Corporation of America, LabCorp
Classification: Likely benign. Last evaluated: 2026-02-16. Review status: criteria provided, single submitter. Criteria: LabCorp Variant Classification Summary - May 2015. Collection method: clinical testing. Allele origin: germline.
Comment: Variant summary: COL12A1 c.7559-9G>T alters a nucleotide located at a position not widely known to affect splicing. Consensus agreement among computation tools predict no significant impact on normal splicing. However, these predictions have yet to be confirmed by functional studies. The variant was absent in 1612140 control chromosomes. The available data on variant occurrences in the general population are insufficient to allow any conclusion about variant significance. To our knowledge, no occurrence of c.7559-9G>T in individuals affected with COL12A1-related conditions and no experimental evidence demonstrating its impact on protein function have been reported. No submitters have cited clinical-significance assessments for this variant to ClinVar. Based on the evidence outlined above, the variant was classified as likely benign.

NM_004370.6(COL12A1):c.7559-9G>T

Gene: COL12A1 (collagen type XII alpha 1 chain; minus strand). Cytogenetic location: 6q13.
Variant type: single nucleotide variant.
Coding change: c.7559-9G>T on transcript NM_004370.6 (MANE Select); 9 bases into the intron before coding-DNA position 7559, G replaced by T.
Molecular consequence: intron variant.
Genome position (GRCh38, 1-based): chr6:75,115,931, C>A on the plus strand (G>T on the coding strand, the complement: COL12A1 is on the minus strand). VCF-style: chr6-75115931-C-A. GRCh37 (hg19) VCF-style: chr6-75825647-C-A.
Other names: c.4067-9G>T (NM_001424116.1, NM_080645.3); c.7286-9G>T (NM_001424115.1); c.7538-9G>T (NM_001424114.1); c.7559-9G>T (NM_001424113.1).
Identifiers: ClinVar variation 4848320 (VCV004848320.1).